The following is an entry in ClinVar:

ClinVar aggregate classification (germline): Uncertain significance. Review status: criteria provided, multiple submitters, no conflicts (2 of 4 stars). 2 submissions from 2 submitters: Uncertain significance (2). Last evaluated 2022-12-21.

Conditions:
MBD5-related disorder. Also called: MBD5-related condition.

Allele frequency attached by ClinVar (database versions not stated): gnomAD exomes below 0.00001; TOPMed below 0.00001; ExAC 0.00001; gnomAD 0.00001.
gnomAD v4.1: 5 of 1,613,834 alleles (0.00031%); highest among the groups gnomAD compares: South Asian, 0.0022%; no homozygotes.

Submissions (2):

PreventionGenetics, part of Exact Sciences
Classification: Uncertain significance for MBD5-related condition. Last evaluated: 2022-12-21. Review status: criteria provided, single submitter. Criteria: ACMG Guidelines, 2015. Collection method: clinical testing. Allele origin: germline.
Comment: The MBD5 c.1784C>T variant is predicted to result in the amino acid substitution p.Ala595Val. To our knowledge, this variant has not been reported in the literature. This variant is reported in 0.0033% of alleles in individuals of South Asian descent in gnomAD. At this time, the clinical significance of this variant is uncertain due to the absence of conclusive functional and genetic evidence.

CeGaT Center for Human Genetics Tuebingen
Classification: Uncertain significance. Last evaluated: 2018-09-01. Review status: criteria provided, single submitter. Criteria: CeGaT Center For Human Genetics Tuebingen Variant Classification Criteria Version 2. Collection method: clinical testing. Allele origin: germline. Affected: yes. Observed: 2 variant alleles.

NM_001378120.1(MBD5):c.1784C>T (p.Ala595Val)

Gene: MBD5 (methyl-CpG binding domain protein 5; plus strand). Cytogenetic location: 2q23.1.
Variant type: single nucleotide variant.
Coding change: c.1784C>T on transcript NM_001378120.1 (MANE Select); coding-DNA position 1784, C replaced by T.
Protein change: p.Ala595Val; replaces alanine 595 with valine.
Molecular consequence: missense variant.
Genome position (GRCh38, 1-based): chr2:148,469,727, C>T. VCF-style: chr2-148469727-C-T. GRCh37 (hg19) VCF-style: chr2-149227296-C-T.
Other names: c.1784C>T, p.Ala595Val (NM_018328.5); c.1784C>T (NM_018328.4); short protein forms A595V.
Identifiers: ClinVar variation 624150 (VCV000624150.43), dbSNP rs771275834, ClinGen allele CA1900057.